The following is an entry in ClinVar:

ClinVar aggregate classification (germline): Pathogenic. Review status: criteria provided, multiple submitters, no conflicts (2 of 4 stars). 2 submissions from 2 submitters: Pathogenic (2). Last evaluated 2026-04-16.

Conditions:
Bloom syndrome (BLM). Also called: Bloom-Torre-Machacek syndrome. Identifiers: Orphanet 125, MedGen C0005859, MONDO:0008876, OMIM 210900.

Submissions (2):

Myriad Genetics, Inc.
Classification: Pathogenic for Bloom syndrome. Last evaluated: 2026-04-16. Review status: criteria provided, single submitter. Criteria: Myriad Autosomal Dominant, Autosomal Recessive and X-Linked Classification Criteria (2023). Collection method: clinical testing. Allele origin: unknown.
Comment: This variant is considered pathogenic. This variant creates a termination codon and is predicted to result in premature protein truncation.

Labcorp Genetics (formerly Invitae), Labcorp
Classification: Pathogenic for Bloom syndrome. Last evaluated: 2019-11-04. Review status: criteria provided, single submitter. Criteria: Invitae Variant Classification Sherloc (09022015). Collection method: clinical testing. Allele origin: germline.
Comment: This sequence change creates a premature translational stop signal (p.Ser166*) in the BLM gene. It is expected to result in an absent or disrupted protein product. This variant is not present in population databases (ExAC no frequency). This variant has not been reported in the literature in individuals with BLM-related conditions. Loss-of-function variants in BLM are known to be pathogenic (PMID: 17407155). For these reasons, this variant has been classified as Pathogenic.

Literature cited by the submitters: PubMed 17407155 (cited by Labcorp Genetics (formerly Invitae), Labcorp).

NM_000057.4(BLM):c.497C>G (p.Ser166Ter)

Gene: BLM (BLM RecQ like helicase; plus strand). Cytogenetic location: 15q26.1.
Variant type: single nucleotide variant.
Coding change: c.497C>G on transcript NM_000057.4 (MANE Select); coding-DNA position 497, C replaced by G.
Protein change: p.Ser166Ter; replaces serine 166 with a stop codon.
Molecular consequence: nonsense. On other transcripts: 5 prime UTR variant (1).
Genome position (GRCh38, 1-based): chr15:90,749,765, C>G. VCF-style: chr15-90749765-C-G. GRCh37 (hg19) VCF-style: chr15-91292995-C-G.
Other names: c.497C>G, p.Ser166Ter (NM_001287246.2, NM_001287247.2); c.-795C>G (NM_001287248.2); short protein forms S166*.
Identifiers: ClinVar variation 966886 (VCV000966886.9), dbSNP rs896357448, ClinGen allele CA393840918.
Genomic context (GRCh38, chr15:90,749,765, plus strand): 5'-ATTCTTTAAGTACCATCAATGATTGGGATGATATGGATGACTTTGATACTTCTGAGACTT[C>G]AAAATCATTTGTTACACCACCCCAAAGTCACTTTGTAAGAGTAAGCACTGCTCAGAAATC-3'